The following is an entry in ClinVar:

NM_021619.3(PRDM12):c.1076C>T (p.Ala359Val)

Gene: PRDM12 (PR/SET domain 12; plus strand). Cytogenetic location: 9q34.12.
Variant type: single nucleotide variant.
Coding change: c.1076C>T on transcript NM_021619.3 (MANE Select); coding-DNA position 1076, C replaced by T.
Protein change: p.Ala359Val; replaces alanine 359 with valine.
Molecular consequence: missense variant.
Genome position (GRCh38, 1-based): chr9:130,681,641, C>T. VCF-style: chr9-130681641-C-T. GRCh37 (hg19) VCF-style: chr9-133557028-C-T.
Other names: short protein forms A359V.
Identifiers: ClinVar variation 2199746 (VCV002199746.4), dbSNP rs1267181460, ClinGen allele CA375245306.

ClinVar aggregate classification (germline): Uncertain significance (1 of 4 stars; one submission).

Conditions:
Congenital insensitivity to pain-hypohidrosis syndrome. Also called: HSAN VIII; Neuropathy, hereditary sensory and autonomic, type VIII. Identifiers: Orphanet 478664, MedGen C4225308, MONDO:0014662, OMIM 616488.

Submission:

Labcorp Genetics (formerly Invitae), Labcorp
Classification: Uncertain significance for Congenital insensitivity to pain-hypohidrosis syndrome. Last evaluated: 2022-08-21. Review status: criteria provided, single submitter. Criteria: Invitae Variant Classification Sherloc (09022015). Collection method: clinical testing. Allele origin: germline.
Comment: This variant has not been reported in the literature in individuals affected with PRDM12-related conditions. In summary, the available evidence is currently insufficient to determine the role of this variant in disease. Therefore, it has been classified as a Variant of Uncertain Significance. Algorithms developed to predict the effect of missense changes on protein structure and function are either unavailable or do not agree on the potential impact of this missense change (SIFT: "Tolerated"; PolyPhen-2: "Not Available"; Align-GVGD: "Class C0"). The frequency data for this variant in the population databases is considered unreliable, as metrics indicate insufficient coverage at this position in the gnomAD database. This sequence change replaces alanine, which is neutral and non-polar, with valine, which is neutral and non-polar, at codon 359 of the PRDM12 protein (p.Ala359Val).